The following is an entry in ClinVar:

ClinVar aggregate classification (germline): Benign (1 of 4 stars; one submission).

Allele frequency attached by ClinVar (database versions not stated): 1000 Genomes Project 30x 0.08542; 1000 Genomes Project 0.08626; gnomAD 0.14182 and 0.14471; TOPMed 0.14811.
gnomAD v4.1: 21,801 of 152,252 alleles (14%); highest among the groups gnomAD compares: Non-Finnish European, 22%; 2,130 homozygotes.

Submissions (7):

GeneDx
Classification: Benign. Last evaluated: 2018-06-19. Review status: criteria provided, single submitter. Criteria: GeneDx Variant Classification (06012015). Collection method: clinical testing. Allele origin: germline. Affected: yes.
Comment: This variant is considered likely benign or benign based on one or more of the following criteria: it is a conservative change, it occurs at a poorly conserved position in the protein, it is predicted to be benign by multiple in silico algorithms, and/or has population frequency not consistent with disease.

Dr. Peter K. Rogan Lab, Western University
No classification provided (evidence only). Condition: Acute myeloid leukemia. Review status: no classification provided. Collection method: in vitro. Allele origin: not applicable. Functional consequence: skipped exon. Not counted in ClinVar's aggregate classification.

Dr. Peter K. Rogan Lab, Western University
No classification provided (evidence only). Condition: Acute myeloid leukemia. Review status: no classification provided. Collection method: in vitro. Allele origin: not applicable. Functional consequence: retained intron. Not counted in ClinVar's aggregate classification.

Dr. Peter K. Rogan Lab, Western University
No classification provided (evidence only). Condition: Acute myeloid leukemia. Review status: no classification provided. Collection method: in vitro. Allele origin: not applicable. Functional consequence: retained intron. Not counted in ClinVar's aggregate classification.

Dr. Peter K. Rogan Lab, Western University
No classification provided (evidence only). Condition: Acute myeloid leukemia. Review status: no classification provided. Collection method: in vitro. Allele origin: not applicable. Functional consequence: retained intron. Not counted in ClinVar's aggregate classification.

Dr. Peter K. Rogan Lab, Western University
No classification provided (evidence only). Condition: Thymoma. Review status: no classification provided. Collection method: in vitro. Allele origin: not applicable. Functional consequence: retained intron. Not counted in ClinVar's aggregate classification.

Dr. Peter K. Rogan Lab, Western University
No classification provided (evidence only). Condition: Ovarian serous cystadenocarcinoma. Review status: no classification provided. Collection method: in vitro. Allele origin: not applicable. Functional consequence: retained intron. Not counted in ClinVar's aggregate classification.

NM_015443.4(KANSL1):c.1653-289G>T

Gene: KANSL1 (KAT8 regulatory NSL complex subunit 1). Cytogenetic location: 17q21.31.
Variant type: single nucleotide variant.
Coding change: c.1653-289G>T on transcript NM_015443.4 (MANE Select); 289 bases into the intron before coding-DNA position 1653, G replaced by T.
Molecular consequence: intron variant.
Genome position (GRCh38, 1-based): chr17:46,067,021, C>A on the plus strand (G>T on the coding strand, the complement: KANSL1 is on the minus strand). VCF-style: chr17-46067021-C-A. GRCh37 (hg19) VCF-style: chr17-44144387-C-A.
Other names: NC_000017.10:g.44144387C>A; c.1653-289G>T (NM_001193465.2, NM_001379198.1, NM_001193466.2).
Identifiers: ClinVar variation 668808 (VCV000668808.2), dbSNP rs17575850, ClinGen allele CA14421749.
Genomic context (GRCh38, chr17:46,067,021, plus strand): 5'-TCTGAAAGATAAAAGTCAATAAATAAACTCAAGTTCTAGTGATTGAGTTCTCCTCTACAT[C>A]AAACACACGAGTAAATAAAGTCTAGAGAACTACAGTTGGTTAGAAAATGATGAATTTTGC-3'